The following is an entry in ClinVar:

NC_000021.8:g.(?_47518025)_(47552763_?)dup

Gene: COL6A2 (collagen type VI alpha 2 chain; plus strand). Cytogenetic location: 21q22.3.
Variant type: Duplication.
Identifiers: ClinVar variation 4687165 (VCV004687165.1).

ClinVar aggregate classification (germline): Uncertain significance (1 of 4 stars; one submission).

Submission:

Women's Health and Genetics/Laboratory Corporation of America, LabCorp
Classification: Uncertain significance. Last evaluated: 2025-10-20. Review status: criteria provided, single submitter. Criteria: LabCorp Variant Classification Summary - May 2015. Collection method: clinical testing. Allele origin: germline.
Comment: Variant summary: The variant involves the duplication of exons 1-28 in the COL6A2 gene. A presumed nomenclature of c.(?_-90)_(*297_?)dup has been designated for the purposes of this classification. This duplication includes the entire coding sequence of the gene. As exact breakpoints are unknown, it may extend beyond the annotated region of the gene, to include other flanking genes. The variant was absent in 21692 control chromosomes. The available data on variant occurrences in the general population are insufficient to allow any conclusion about variant significance. To our knowledge, no occurrence of c.(?_-90)_(*297_?)dup in individuals affected with COL6A2-related conditions and no experimental evidence demonstrating its impact on protein function have been reported. ClinVar contains an entry for this variant (Variation ID: 649621). Based on the evidence outlined above, the variant was classified as uncertain significance.